The following is an entry in ClinVar:

ClinVar aggregate classification (germline): Uncertain significance (1 of 4 stars; one submission).

Submission:

GeneDx
Classification: Uncertain significance. Last evaluated: 2023-07-16. Review status: criteria provided, single submitter. Criteria: GeneDx Variant Classification Process June 2021. Collection method: clinical testing. Allele origin: germline. Affected: yes.
Comment: Not observed at significant frequency in large population cohorts (gnomAD); In silico analysis supports that this missense variant has a deleterious effect on protein structure/function; Has not been previously published as pathogenic or benign to our knowledge

NM_001012614.2(CTBP1):c.904A>C (p.Thr302Pro)

Genes: CTBP1-AS (CTBP1 antisense RNA; plus strand), CTBP1 (C-terminal binding protein 1; minus strand). Cytogenetic location: 4p16.3.
Variant type: single nucleotide variant.
Coding change: c.904A>C on transcript NM_001012614.2 (MANE Select); coding-DNA position 904, A replaced by C.
Protein change: p.Thr302Pro; replaces threonine 302 with proline.
Molecular consequence: missense variant.
Genome position (GRCh38, 1-based): chr4:1,213,562, T>G on the plus strand (A>C on the coding strand, the complement: CTBP1 is on the minus strand). VCF-style: chr4-1213562-T-G. GRCh37 (hg19) VCF-style: chr4-1207350-T-G.
Other names: c.937A>C, p.Thr313Pro (NM_001328.3, NM_001377186.1); c.904A>C, p.Thr302Pro (NM_001377187.1, NM_001377188.1, NM_001377189.1 and 4 more transcripts); short protein forms T302P, T313P.
Identifiers: ClinVar variation 3361016 (VCV003361016.1).
Genomic context (GRCh38, chr4:1,213,562, plus strand): 5'-GTGCCGCCTCCTCTCGCATCTCGATGGATGCCTGCTCGCTGTACCATGCAGCATGGGGGG[T>G]GCAGATGAGGTTGGGTGCATCCTTCAGAGGGCCCTGGCTAAAGCTGGGAACAGCACAGGC-3'
Protein context (NP_001012632.1, residues 292-312): PLKDAPNLIC[Thr302Pro]PHAAWYSEQA